The following is an entry in ClinVar:

ClinVar aggregate classification (germline): Uncertain significance. Review status: criteria provided, multiple submitters, no conflicts (2 of 4 stars). 2 submissions from 2 submitters: Uncertain significance (2). Last evaluated 2025-06-17.

Conditions:
Inborn genetic diseases. Identifiers: MedGen C0950123, MeSH D030342.

Allele frequency attached by ClinVar (database versions not stated): gnomAD exomes 0.00001; TOPMed 0.00001; gnomAD 0.00002; ExAC 0.00003.
gnomAD v4.1: 16 of 1,613,656 alleles (0.00099%); highest among the groups gnomAD compares: South Asian, 0.0077%; no homozygotes.

Submissions (2):

Ambry Genetics
Classification: Uncertain significance for Inborn genetic diseases. Last evaluated: 2025-06-17. Review status: criteria provided, single submitter. Criteria: Ambry Variant Classification Scheme 2023. Collection method: clinical testing. Allele origin: germline.

Labcorp Genetics (formerly Invitae), Labcorp
Classification: Uncertain significance. Last evaluated: 2024-12-02. Review status: criteria provided, single submitter. Criteria: Invitae Variant Classification Sherloc (09022015). Collection method: clinical testing. Allele origin: germline.
Comment: This sequence change replaces glutamic acid, which is acidic and polar, with lysine, which is basic and polar, at codon 390 of the OBSL1 protein (p.Glu390Lys). This variant is present in population databases (rs760835705, gnomAD 0.01%). This variant has not been reported in the literature in individuals affected with OBSL1-related conditions. ClinVar contains an entry for this variant (Variation ID: 1985643). An algorithm developed to predict the effect of missense changes on protein structure and function (PolyPhen-2) suggests that this variant is likely to be disruptive. In summary, the available evidence is currently insufficient to determine the role of this variant in disease. Therefore, it has been classified as a Variant of Uncertain Significance.

NM_015311.3(OBSL1):c.1168G>A (p.Glu390Lys)

Gene: OBSL1 (obscurin like cytoskeletal adaptor 1; minus strand). Cytogenetic location: 2q35.
Variant type: single nucleotide variant.
Coding change: c.1168G>A on transcript NM_015311.3 (MANE Select); coding-DNA position 1168, G replaced by A.
Protein change: p.Glu390Lys; replaces glutamic acid 390 with lysine.
Molecular consequence: missense variant.
Genome position (GRCh38, 1-based): chr2:219,568,169, C>T on the plus strand (G>A on the coding strand, the complement: OBSL1 is on the minus strand). VCF-style: chr2-219568169-C-T. GRCh37 (hg19) VCF-style: chr2-220432891-C-T.
Other names: c.1168G>A (NM_015311.2); c.1168G>A, p.Glu390Lys (NM_001173408.2, NM_001173431.2); short protein forms E390K.
Identifiers: ClinVar variation 1985643 (VCV001985643.4), dbSNP rs760835705, ClinGen allele CA2131620.
Genomic context (GRCh38, chr2:219,568,169, plus strand): 5'-AGATACCATCATCGTCTGCCTTCAGCCTGTGGATGATGAGGCGCCGGACAGTGCCCTCTT[C>T]GATCTGCTCGTACTTGCGGCAGGGCAGCAGCCGCTGGTCCTCACGGAACCAGGCCGTGGG-3'
Protein context (NP_056126.1, residues 380-400): LLPCRKYEQI[Glu390Lys]EGTVRRLIIH